The following is an entry in ClinVar:

NM_000368.5(TSC1):c.2412G>A (p.Arg804=)

Gene: TSC1 (TSC complex subunit 1; minus strand). Cytogenetic location: 9q34.13.
Variant type: single nucleotide variant.
Coding change: c.2412G>A on transcript NM_000368.5 (MANE Select); coding-DNA position 2412, G replaced by A.
Protein change: p.Arg804=; no amino-acid change (arginine 804 retained).
Molecular consequence: synonymous variant.
Genome position (GRCh38, 1-based): chr9:132,901,679, C>T on the plus strand (G>A on the coding strand, the complement: TSC1 is on the minus strand). VCF-style: chr9-132901679-C-T. GRCh37 (hg19) VCF-style: chr9-135777066-C-T.
Other names: c.2409G>A, p.Arg803= (NM_001162426.2); c.2259G>A, p.Arg753= (NM_001162427.2); c.2049G>A, p.Arg683= (NM_001362177.2).
Identifiers: ClinVar variation 466079 (VCV000466079.16), dbSNP rs1554814676, ClinGen allele CA467590480.

ClinVar aggregate classification (germline): Benign/Likely benign. Review status: criteria provided, multiple submitters, no conflicts (2 of 4 stars). 4 submissions from 4 submitters: Benign (2); Likely benign (2). Last evaluated 2025-04-25.

Conditions:
Hereditary cancer-predisposing syndrome. Also called: Hereditary neoplastic syndrome; Neoplastic Syndromes, Hereditary; Tumor predisposition; Hereditary Cancer Syndrome. Identifiers: Orphanet 140162, MedGen C0027672, MeSH D009386, MONDO:0015356.
Tuberous sclerosis 1 (TSC1). Identifiers: Orphanet 805, MedGen C1854465, MONDO:0008612, OMIM 191100.

Submissions (4):

Myriad Genetics, Inc.
Classification: Benign for Tuberous sclerosis 1. Last evaluated: 2025-04-25. Review status: criteria provided, single submitter. Criteria: Myriad Autosomal Dominant, Autosomal Recessive and X-Linked Classification Criteria (2023). Collection method: clinical testing. Allele origin: unknown.
Comment: This variant is considered benign. This variant is a silent/synonymous amino acid change and it is not expected to impact splicing.

Labcorp Genetics (formerly Invitae), Labcorp
Classification: Likely benign for Tuberous sclerosis 1. Last evaluated: 2024-03-29. Review status: criteria provided, single submitter. Criteria: Invitae Variant Classification Sherloc (09022015). Collection method: clinical testing. Allele origin: germline.

Genome-Nilou Lab
Classification: Benign for Tuberous sclerosis 1. Last evaluated: 2021-11-07. Review status: criteria provided, single submitter. Criteria: ACMG Guidelines, 2015. Collection method: clinical testing. Allele origin: germline. Affected: no.

Ambry Genetics
Classification: Likely benign for Hereditary cancer-predisposing syndrome. Last evaluated: 2016-08-24. Review status: criteria provided, single submitter. Criteria: Ambry Variant Classification Scheme 2023. Collection method: clinical testing. Allele origin: germline.